The following is an entry in ClinVar:

ClinVar aggregate classification (germline): Conflicting classifications of pathogenicity. Review status: criteria provided, conflicting classifications (1 of 4 stars). 4 submissions from 4 submitters: Likely pathogenic (2); Uncertain significance (2). Last evaluated 2025-09-20.

Conditions:
NLRP12-related disorder. Also called: NLRP12-related condition; NLRP12-related conditions.
Familial cold autoinflammatory syndrome 2 (FCAS2). Identifiers: Orphanet 247868, MedGen C2673198, MONDO:0012724, OMIM 611762.

Allele frequency attached by ClinVar (database versions not stated): gnomAD 0.00001; gnomAD exomes 0.00002 and 0.00004; TOPMed 0.00002; ExAC 0.00003.

Submissions (4):

Labcorp Genetics (formerly Invitae), Labcorp
Classification: Uncertain significance for Familial cold autoinflammatory syndrome 2. Last evaluated: 2025-09-20. Review status: criteria provided, single submitter. Criteria: Invitae Variant Classification Sherloc (09022015). Collection method: clinical testing. Allele origin: germline.
Comment: This sequence change creates a premature translational stop signal (p.Met787Ilefs*45) in the NLRP12 gene. It is expected to result in an absent or disrupted protein product. However, the current clinical and genetic evidence is not sufficient to establish whether loss-of-function variants in NLRP12 cause disease. This variant is present in population databases (rs768447330, gnomAD 0.005%). This variant has not been reported in the literature in individuals affected with NLRP12-related conditions. ClinVar contains an entry for this variant (Variation ID: 1021028). In summary, the available evidence is currently insufficient to determine the role of this variant in disease. Therefore, it has been classified as a Variant of Uncertain Significance.

PreventionGenetics, part of Exact Sciences
Classification: Uncertain significance for NLRP12-related condition. Last evaluated: 2024-12-16. Review status: criteria provided, single submitter. Criteria: ACMG Guidelines, 2015. Collection method: clinical testing. Allele origin: germline.
Comment: The NLRP12 c.2360dupT variant is predicted to result in a frameshift and premature protein termination (p.Met787Ilefs*45). To our knowledge, this variant has not been reported in the literature. This variant is reported in 0.0044% of alleles in individuals of European (Non-Finnish) descent in gnomAD, which may be too common to be causative. This variant has conflicting interpretations in ClinVar, ranging from likely pathogenic to uncertain significance. Although we suspect that this variant may be pathogenic, at this time, the clinical significance of this variant is uncertain due to the absence of conclusive functional and genetic evidence.

Revvity Omics, Revvity
Classification: Likely pathogenic for Familial cold autoinflammatory syndrome 2. Last evaluated: 2022-02-21. Review status: criteria provided, single submitter. Criteria: ACMG Guidelines, 2015. Collection method: clinical testing. Allele origin: germline.

CENTOGENE GmbH and LLC - Guiding Precision Medicine
Classification: Likely pathogenic for Familial cold autoinflammatory syndrome 2. Last evaluated: 2018-06-21. Review status: criteria provided, single submitter. Criteria: ACMG Guidelines, 2015. Collection method: clinical testing. Allele origin: germline. Affected: yes.

NM_144687.4(NLRP12):c.2360dup (p.Met787fs)

Gene: NLRP12 (NLR family pyrin domain containing 12; minus strand). Cytogenetic location: 19q13.42.
Variant type: Duplication.
Coding change: c.2360dup on transcript NM_144687.4 (MANE Select); coding-DNA position 2360, one base duplicated (T; older notation c.2360dupT).
Protein change: p.Met787fs; shifts the reading frame from methionine 787.
Molecular consequence: frameshift variant.
Genome position (GRCh38, 1-based): chr19:53,805,334, A duplicated on the plus strand (T on the coding strand, the reverse complement: NLRP12 is on the minus strand). VCF-style (leftmost placement, unchanged base first): chr19-53805333-C-CA. GRCh37 (hg19) VCF-style: chr19-54308587-C-CA.
Other names: c.2363dup, p.Met788fs (NM_001277126.2); c.2360dup, p.Met787fs (NM_001277129.1); c.2360dupT (NM_144687.3); c.2360dup (NM_144687.3); short protein forms M787fs, M788fs.
Identifiers: ClinVar variation 1021028 (VCV001021028.12), dbSNP rs768447330, ClinGen allele CA9639111.